The following is an entry in ClinVar:

ClinVar aggregate classification (germline): Conflicting classifications of pathogenicity. Review status: criteria provided, conflicting classifications (1 of 4 stars). 4 submissions from 4 submitters: Uncertain significance (1); Benign (1); Likely benign (1). 1 of the submissions does not count toward it. Last evaluated 2026-01-29.

Conditions:
CODAS syndrome. Also called: CEREBRAL, OCULAR, DENTAL, AURICULAR, AND SKELETAL ANOMALIES SYNDROME. Identifiers: Orphanet 1458, MedGen C1838180, MONDO:0010879, OMIM 600373.
LONP1-related disorder. Also called: LONP1-related disorders; LONP1-related condition.
Inborn genetic diseases. Identifiers: MedGen C0950123, MeSH D030342.

Allele frequency attached by ClinVar (database versions not stated): gnomAD 0.00014 and 0.00029; gnomAD exomes 0.00015 and 0.00055; ESP Exome Variant Server 0.00023; TOPMed 0.00029; ExAC 0.00056; 1000 Genomes Project 30x 0.00234; 1000 Genomes Project 0.00280.
gnomAD v4.1: 261 of 1,613,302 alleles (0.016%); highest among the groups gnomAD compares: East Asian, 0.47%; no homozygotes.

Submissions (9):

Labcorp Genetics (formerly Invitae), Labcorp
Classification: Benign. Last evaluated: 2026-01-29. Review status: criteria provided, single submitter. Criteria: Invitae Variant Classification Sherloc (09022015). Collection method: clinical testing. Allele origin: germline.

Ambry Genetics
Classification: Likely benign for Inborn genetic diseases. Last evaluated: 2023-12-12. Review status: criteria provided, single submitter. Criteria: Ambry Variant Classification Scheme 2023. Collection method: clinical testing. Allele origin: germline.

Department of Pathology and Laboratory Medicine, Sinai Health System
Classification: Uncertain significance for CODAS syndrome. Last evaluated: 2022-09-02. Review status: criteria provided, single submitter. Criteria: ACMG Guidelines, 2015. Collection method: research. Allele origin: germline.

PreventionGenetics, part of Exact Sciences
Classification: Likely benign for LONP1-related condition. Last evaluated: 2019-08-12. Review status: no assertion criteria provided. Collection method: clinical testing. Allele origin: germline. Not counted in ClinVar's aggregate classification.
Comment: This variant is classified as likely benign based on ACMG/AMP sequence variant interpretation guidelines (Richards et al. 2015 PMID: 25741868, with internal and published modifications).

Dr. Peter K. Rogan Lab, Western University
No classification provided (evidence only). Condition: Thyroid cancer, nonmedullary, 1. Review status: no classification provided. Collection method: in vitro. Allele origin: not applicable. Functional consequence: skipped exon. Not counted in ClinVar's aggregate classification.

Dr. Peter K. Rogan Lab, Western University
No classification provided (evidence only). Condition: Malignant lymphoma, large B-cell, diffuse. Review status: no classification provided. Collection method: in vitro. Allele origin: not applicable. Functional consequence: retained intron. Not counted in ClinVar's aggregate classification.

Dr. Peter K. Rogan Lab, Western University
No classification provided (evidence only). Condition: Hepatocellular carcinoma. Review status: no classification provided. Collection method: in vitro. Allele origin: not applicable. Functional consequence: retained intron. Not counted in ClinVar's aggregate classification.

Dr. Peter K. Rogan Lab, Western University
No classification provided (evidence only). Condition: Gastric cancer. Review status: no classification provided. Collection method: in vitro. Allele origin: not applicable. Functional consequence: retained intron. Not counted in ClinVar's aggregate classification.

Dr. Peter K. Rogan Lab, Western University
No classification provided (evidence only). Condition: Malignant tumor of esophagus. Review status: no classification provided. Collection method: in vitro. Allele origin: not applicable. Functional consequence: skipped exon. Not counted in ClinVar's aggregate classification.

NM_004793.4(LONP1):c.686C>T (p.Ala229Val)

Gene: LONP1 (lon peptidase 1, mitochondrial; minus strand). Cytogenetic location: 19p13.3.
Variant type: single nucleotide variant.
Coding change: c.686C>T on transcript NM_004793.4 (MANE Select); coding-DNA position 686, C replaced by T.
Protein change: p.Ala229Val; replaces alanine 229 with valine.
Molecular consequence: missense variant. On other transcripts: non-coding transcript variant (1).
Genome position (GRCh38, 1-based): chr19:5,711,955, G>A on the plus strand (C>T on the coding strand, the complement: LONP1 is on the minus strand). VCF-style: chr19-5711955-G-A. GRCh37 (hg19) VCF-style: chr19-5711966-G-A.
Other names: c.686C>T (NM_004793.3, NM_004793.2); c.494C>T, p.Ala165Val (NM_001276479.2); c.98C>T, p.Ala33Val (NM_001276480.1); short protein forms A165V, A229V, A33V.
Identifiers: ClinVar variation 1607355 (VCV001607355.13), dbSNP rs80050321, ClinGen allele CA9115001.